The following is an entry in ClinVar:

NM_001287.6(CLCN7):c.1668G>A (p.Leu556=)

Gene: CLCN7 (chloride voltage-gated channel 7; minus strand). Cytogenetic location: 16p13.3.
Variant type: single nucleotide variant.
Coding change: c.1668G>A on transcript NM_001287.6 (MANE Select); coding-DNA position 1668, G replaced by A.
Protein change: p.Leu556=; no amino-acid change (leucine 556 retained).
Molecular consequence: synonymous variant.
Genome position (GRCh38, 1-based): chr16:1,449,277, C>T on the plus strand (G>A on the coding strand, the complement: CLCN7 is on the minus strand). VCF-style: chr16-1449277-C-T. GRCh37 (hg19) VCF-style: chr16-1499278-C-T.
Other names: c.1596G>A, p.Leu532= (NM_001114331.3).
Identifiers: ClinVar variation 2880793 (VCV002880793.3), dbSNP rs2505816533, ClinGen allele CA492917003.

ClinVar aggregate classification (germline): Uncertain significance (1 of 4 stars; one submission).

Allele frequency attached by ClinVar (database versions not stated): gnomAD exomes below 0.00001.

Submission:

Labcorp Genetics (formerly Invitae), Labcorp
Classification: Uncertain significance. Last evaluated: 2023-03-27. Review status: criteria provided, single submitter. Criteria: Invitae Variant Classification Sherloc (09022015). Collection method: clinical testing. Allele origin: germline.
Comment: In summary, the available evidence is currently insufficient to determine the role of this variant in disease. Therefore, it has been classified as a Variant of Uncertain Significance. Algorithms developed to predict the effect of sequence changes on RNA splicing suggest that this variant is not likely to affect RNA splicing. This variant has not been reported in the literature in individuals affected with CLCN7-related conditions. This variant is not present in population databases (gnomAD no frequency). This sequence change affects codon 556 of the CLCN7 mRNA. It is a 'silent' change, meaning that it does not change the encoded amino acid sequence of the CLCN7 protein. It affects a nucleotide within the consensus splice site.